The following is an entry in ClinVar:

NM_004629.2(FANCG):c.1506A>C (p.Gly502=)

Gene: FANCG (FA complementation group G; minus strand). Cytogenetic location: 9p13.3.
Variant type: single nucleotide variant.
Coding change: c.1506A>C on transcript NM_004629.2 (MANE Select); coding-DNA position 1506, A replaced by C.
Protein change: p.Gly502=; no amino-acid change (glycine 502 retained).
Molecular consequence: synonymous variant.
Genome position (GRCh38, 1-based): chr9:35,075,057, T>G on the plus strand (A>C on the coding strand, the complement: FANCG is on the minus strand). VCF-style: chr9-35075057-T-G. GRCh37 (hg19) VCF-style: chr9-35075054-T-G.
Identifiers: ClinVar variation 4874908 (VCV004874908.2).

ClinVar aggregate classification (germline): Likely benign (1 of 4 stars; one submission).

Submission:

CeGaT Center for Human Genetics Tuebingen
Classification: Likely benign. Last evaluated: 2026-05-01. Review status: criteria provided, single submitter. Criteria: CeGaT Center For Human Genetics Tuebingen Variant Classification Criteria Version 2. Collection method: clinical testing. Allele origin: germline. Affected: yes. Observed: 1 variant allele.
Comment: FANCG: BP4, BP7